The following is an entry in ClinVar:

ClinVar aggregate classification (germline): Uncertain significance (1 of 4 stars; one submission).

Conditions:
Bethlem myopathy 1A. Also called: Bethlem Muscular Dystrophy; MYOPATHY, BENIGN CONGENITAL, WITH CONTRACTURES; Bethlem myopathy 1. Identifiers: Orphanet 610, MedGen CN029274, MONDO:0024530, OMIM 158810.

Allele frequency attached by ClinVar (database versions not stated): TOPMed 0.00001.
gnomAD v4.1: 2 of 1,614,126 alleles (0.00012%); highest among the groups gnomAD compares: Non-Finnish European, 0.00017%; no homozygotes.

Submission:

Labcorp Genetics (formerly Invitae), Labcorp
Classification: Uncertain significance for Bethlem myopathy 1A. Last evaluated: 2025-12-15. Review status: criteria provided, single submitter. Criteria: Invitae Variant Classification Sherloc (09022015). Collection method: clinical testing. Allele origin: germline.
Comment: This sequence change replaces glycine, which is neutral and non-polar, with arginine, which is basic and polar, at codon 1510 of the COL6A3 protein (p.Gly1510Arg). This variant is not present in population databases (gnomAD no frequency). This variant has not been reported in the literature in individuals affected with COL6A3-related conditions. ClinVar contains an entry for this variant (Variation ID: 1015261). Invitae Evidence Modeling of protein sequence and biophysical properties (such as structural, functional, and spatial information, amino acid conservation, physicochemical variation, residue mobility, and thermodynamic stability) indicates that this missense variant is expected to disrupt COL6A3 protein function with a positive predictive value of 80%. In summary, the available evidence is currently insufficient to determine the role of this variant in disease. Therefore, it has been classified as a Variant of Uncertain Significance.

NM_004369.4(COL6A3):c.4528G>A (p.Gly1510Arg)

Gene: COL6A3 (collagen type VI alpha 3 chain; minus strand). Cytogenetic location: 2q37.3.
Variant type: single nucleotide variant.
Coding change: c.4528G>A on transcript NM_004369.4 (MANE Select); coding-DNA position 4528, G replaced by A.
Protein change: p.Gly1510Arg; replaces glycine 1510 with arginine.
Molecular consequence: missense variant.
Genome position (GRCh38, 1-based): chr2:237,368,935, C>T on the plus strand (G>A on the coding strand, the complement: COL6A3 is on the minus strand). VCF-style: chr2-237368935-C-T. GRCh37 (hg19) VCF-style: chr2-238277578-C-T.
Other names: c.2707G>A, p.Gly903Arg (NM_057166.5); c.3910G>A, p.Gly1304Arg (NM_057167.4); short protein forms G1304R, G1510R, G903R.
Identifiers: ClinVar variation 1015261 (VCV001015261.9), dbSNP rs1293450770, ClinGen allele CA351193146.
Genomic context (GRCh38, chr2:237,368,935, plus strand): 5'-TAACAAAGAGGTTTCTTGCCACAAATTCGAGAGCCTTGCCAGTGTTCAGTGGGGACCCCC[C>T]TCTGAGCCTCAGGCGCCGTATGGCGTCCAGCACCGGGGCCTGGGATCTGTAGGTTTTCAG-3'
Protein context (NP_004360.2, residues 1500-1520): LDAIRRLRLR[Gly1510Arg]GSPLNTGKAL